The following is an entry in ClinVar:

NM_203446.3(SYNJ1):c.2372A>G (p.Asp791Gly)

Gene: SYNJ1 (synaptojanin 1; minus strand). Cytogenetic location: 21q22.11.
Variant type: single nucleotide variant.
Coding change: c.2372A>G on transcript NM_203446.3 (MANE Select); coding-DNA position 2372, A replaced by G.
Protein change: p.Asp791Gly; replaces aspartic acid 791 with glycine.
Molecular consequence: missense variant.
Genome position (GRCh38, 1-based): chr21:32,657,805, T>C on the plus strand (A>G on the coding strand, the complement: SYNJ1 is on the minus strand). VCF-style: chr21-32657805-T-C. GRCh37 (hg19) VCF-style: chr21-34030115-T-C.
Other names: c.2372A>G, p.Asp791Gly (NM_001160302.2); c.2357A>G, p.Asp786Gly (NM_001160306.2); c.2489A>G, p.Asp830Gly (NM_003895.4); short protein forms D786G, D830G, D791G.
Identifiers: ClinVar variation 1043701 (VCV001043701.10), dbSNP rs1195357077, ClinGen allele CA410075449.

ClinVar aggregate classification (germline): Uncertain significance (1 of 4 stars; one submission).

Conditions:
Developmental and epileptic encephalopathy, 53. Also called: Epileptic encephalopathy, early infantile, 53. Identifiers: MedGen C4479313, MONDO:0033362, OMIM 617389.
Early-onset Parkinson disease 20. Also called: PARKINSON DISEASE 20, AUTOSOMAL RECESSIVE EARLY-ONSET. Identifiers: Orphanet 391411, MedGen C3809824, MONDO:0014233, OMIM 615530.

Allele frequency attached by ClinVar (database versions not stated): gnomAD exomes below 0.00001; TOPMed below 0.00001; gnomAD 0.00001.
gnomAD v4.1: 8 of 1,614,042 alleles (0.0005%); highest among the groups gnomAD compares: Non-Finnish European, 0.00068%; no homozygotes.

Submission:

Labcorp Genetics (formerly Invitae), Labcorp
Classification: Uncertain significance for Developmental and epileptic encephalopathy, 53; Early-onset Parkinson disease 20. Last evaluated: 2020-02-06. Review status: criteria provided, single submitter. Criteria: Invitae Variant Classification Sherloc (09022015). Collection method: clinical testing. Allele origin: germline.
Comment: This sequence change replaces aspartic acid with glycine at codon 830 of the SYNJ1 protein (p.Asp830Gly). The aspartic acid residue is moderately conserved and there is a moderate physicochemical difference between aspartic acid and glycine. This variant is not present in population databases (ExAC no frequency). This variant has not been reported in the literature in individuals with SYNJ1-related conditions. Algorithms developed to predict the effect of missense changes on protein structure and function are either unavailable or do not agree on the potential impact of this missense change (SIFT: "Deleterious"; PolyPhen-2: "Possibly Damaging"; Align-GVGD: "Class C0"). In summary, the available evidence is currently insufficient to determine the role of this variant in disease. Therefore, it has been classified as a Variant of Uncertain Significance.